The following is an entry in ClinVar:

NM_052867.4(NALCN):c.3843G>A (p.Thr1281=)

Gene: NALCN (sodium leak channel, non-selective; minus strand). Cytogenetic location: 13q32.3.
Variant type: single nucleotide variant.
Coding change: c.3843G>A on transcript NM_052867.4 (MANE Select); coding-DNA position 3843, G replaced by A.
Protein change: p.Thr1281=; no amino-acid change (threonine 1281 retained).
Molecular consequence: synonymous variant.
Genome position (GRCh38, 1-based): chr13:101,081,569, C>T on the plus strand (G>A on the coding strand, the complement: NALCN is on the minus strand). VCF-style: chr13-101081569-C-T. GRCh37 (hg19) VCF-style: chr13-101733920-C-T.
Other names: c.3930G>A, p.Thr1310= (NM_001350748.2); c.3843G>A, p.Thr1281= (NM_001350749.2); c.3756G>A, p.Thr1252= (NM_001350750.2, NM_001350751.2).
Identifiers: ClinVar variation 807032 (VCV000807032.49), dbSNP rs151200877, ClinGen allele CA7035283.

ClinVar aggregate classification (germline): Benign/Likely benign. Review status: criteria provided, multiple submitters, no conflicts (2 of 4 stars). 3 submissions from 3 submitters: Benign (1); Likely benign (2). Last evaluated 2026-01-09.

Allele frequency attached by ClinVar (database versions not stated): gnomAD exomes 0.00014 and 0.00020; ExAC 0.00021; ESP Exome Variant Server 0.00054; gnomAD 0.00054 and 0.00057; 1000 Genomes Project 0.00060; TOPMed 0.00061; 1000 Genomes Project 30x 0.00062.
gnomAD v4.1: 289 of 1,614,112 alleles (0.018%); highest among the groups gnomAD compares: African/African-American, 0.16%; no homozygotes.

Submissions (3):

Labcorp Genetics (formerly Invitae), Labcorp
Classification: Benign. Last evaluated: 2026-01-09. Review status: criteria provided, single submitter. Criteria: Invitae Variant Classification Sherloc (09022015). Collection method: clinical testing. Allele origin: germline.

CeGaT Center for Human Genetics Tuebingen
Classification: Likely benign. Last evaluated: 2025-09-01. Review status: criteria provided, single submitter. Criteria: CeGaT Center For Human Genetics Tuebingen Variant Classification Criteria Version 2. Collection method: clinical testing. Allele origin: germline. Affected: yes. Observed: 2 variant alleles.
Comment: NALCN: BP4, BP7

GeneDx
Classification: Likely benign. Last evaluated: 2021-03-23. Review status: criteria provided, single submitter. Criteria: GeneDx Variant Classification Process June 2021. Collection method: clinical testing. Allele origin: germline. Affected: yes.